The following is an entry in ClinVar:

ClinVar aggregate classification (germline): Likely pathogenic (1 of 4 stars; one submission).

Conditions:
F8-related disorder. Also called: F8-related condition.

Submission:

PreventionGenetics, part of Exact Sciences
Classification: Likely pathogenic for F8-related condition. Last evaluated: 2022-12-14. Review status: criteria provided, single submitter. Criteria: ACMG Guidelines, 2015. Collection method: clinical testing. Allele origin: germline.
Comment: The F8 c.6576T>A variant is predicted to result in the amino acid substitution p.Ser2192Arg. To our knowledge, this variant has not been reported in the literature. However, different missense variants in the same codon (c.6575G>A, p.Ser2192Asn; c.6575G>T, p.Ser2192Ile) have been reported in in individuals with Hemophilia A (Lu et al. 2018. PubMed ID: 29381227. Table S3; Liu et al. 2000. PubMed ID: 10910913; F8 database) suggesting that substitution of amino acid residue p.Ser2192 is not tolerated. This variant has not been reported in a large population database, indicating this variant is rare. This variant is interpreted as likely pathogenic.

NM_000132.4(F8):c.6576T>A (p.Ser2192Arg)

Gene: F8 (coagulation factor VIII; minus strand). Cytogenetic location: Xq28.
Variant type: single nucleotide variant.
Coding change: c.6576T>A on transcript NM_000132.4 (MANE Select); coding-DNA position 6576, T replaced by A.
Protein change: p.Ser2192Arg; replaces serine 2192 with arginine.
Molecular consequence: missense variant.
Genome position (GRCh38, 1-based): chrX:154,861,865, A>T on the plus strand (T>A on the coding strand, the complement: F8 is on the minus strand). VCF-style: chrX-154861865-A-T. GRCh37 (hg19) VCF-style: chrX-154090140-A-T.
Other names: c.171T>A, p.Ser57Arg (NM_019863.3); short protein forms S2192R, S57R.
Identifiers: ClinVar variation 2635321 (VCV002635321.1), dbSNP rs2523839448, ClinGen allele CA414906518.